The following is an entry in ClinVar:

NM_001365536.1(SCN9A):c.4810G>C (p.Val1604Leu)

Genes: SCN1A-AS1 (SCN1A and SCN9A antisense RNA 1; plus strand), SCN9A (sodium voltage-gated channel alpha subunit 9; minus strand). Cytogenetic location: 2q24.3.
Variant type: single nucleotide variant.
Coding change: c.4810G>C on transcript NM_001365536.1 (MANE Select); coding-DNA position 4810, G replaced by C.
Protein change: p.Val1604Leu; replaces valine 1604 with leucine.
Molecular consequence: missense variant.
Genome position (GRCh38, 1-based): chr2:166,199,829, C>G on the plus strand (G>C on the coding strand, the complement: SCN9A is on the minus strand). VCF-style: chr2-166199829-C-G. GRCh37 (hg19) VCF-style: chr2-167056339-C-G.
Other names: c.4777G>C, p.Val1593Leu (NM_002977.4); short protein forms V1593L, V1604L.
Identifiers: ClinVar variation 1426822 (VCV001426822.8), dbSNP rs2106338274, ClinGen allele CA349055705.
Genomic context (GRCh38, chr2:166,199,829, plus strand): 5'-CTAGACGTAGGATTCGGCCAATCCTGGCAAGACGGATCACTCGGAACAGGGTAGGGGACA[C>G]AAAATACGTTTCAATCAAATCAGCTAGAAACATACCTGTATGTGGAGGAAAATAATAGAA-3'
Protein context (NP_001352465.1, residues 1594-1614): FLADLIETYF[Val1604Leu]SPTLFRVIRL

ClinVar aggregate classification (germline): Uncertain significance. Review status: criteria provided, multiple submitters, no conflicts (2 of 4 stars). 2 submissions from 2 submitters: Uncertain significance (2). Last evaluated 2025-08-07.

Conditions:
Generalized epilepsy with febrile seizures plus, type 7 (GEFSP7). Also called: GEFS+, TYPE 7. Identifiers: Orphanet 36387, MedGen C2751778, MONDO:0013470, OMIM 613863.
Neuropathy, hereditary sensory and autonomic, type 2A (HSAN2A). Also called: WNK1-Related HSAN2 (HSAN2A); HSAN IIA; ACROOSTEOLYSIS, GIACCAI TYPE; ACROOSTEOLYSIS, NEUROGENIC; MORVAN DISEASE; NEUROPATHY, CONGENITAL SENSORY. Identifiers: Orphanet 970, MedGen C2752089, MONDO:0024309, OMIM 201300.

Submissions (2):

Dasa
Classification: Uncertain significance. Last evaluated: 2025-08-07. Review status: criteria provided, single submitter. Criteria: DASA Assertion Criteria. Collection method: clinical testing. Allele origin: germline.
Comment: NM_001365536.1(SCN9A):c.4810G>C (p.Val1604Leu) is a missense variant that results in the substitution of valine with leucine. This variant is absent from population databases. Computational prediction algorithms are consistent with a deleterious effect. The currently available literature and clinical evidence are not sufficient to establish a definitive association between this variant and the reported condition. Therefore, this variant is classified as a variant of uncertain significance.

Labcorp Genetics (formerly Invitae), Labcorp
Classification: Uncertain significance for Neuropathy, hereditary sensory and autonomic, type 2A; Generalized epilepsy with febrile seizures plus, type 7. Last evaluated: 2025-06-12. Review status: criteria provided, single submitter. Criteria: Invitae Variant Classification Sherloc (09022015). Collection method: clinical testing. Allele origin: germline.
Comment: This sequence change replaces valine, which is neutral and non-polar, with leucine, which is neutral and non-polar, at codon 1593 of the SCN9A protein (p.Val1593Leu). This variant is not present in population databases (gnomAD no frequency). This variant has not been reported in the literature in individuals affected with SCN9A-related conditions. ClinVar contains an entry for this variant (Variation ID: 1426822). Invitae Evidence Modeling of protein sequence and biophysical properties (such as structural, functional, and spatial information, amino acid conservation, physicochemical variation, residue mobility, and thermodynamic stability) indicates that this missense variant is not expected to disrupt SCN9A protein function with a negative predictive value of 95%. In summary, the available evidence is currently insufficient to determine the role of this variant in disease. Therefore, it has been classified as a Variant of Uncertain Significance.